The following is an entry in ClinVar:

NM_001379451.1(BCORL1):c.2659G>A (p.Gly887Arg)

Gene: BCORL1 (BCL6 corepressor like 1; plus strand). Cytogenetic location: Xq26.1.
Variant type: single nucleotide variant.
Coding change: c.2659G>A on transcript NM_001379451.1 (MANE Select); coding-DNA position 2659, G replaced by A.
Protein change: p.Gly887Arg; replaces glycine 887 with arginine.
Molecular consequence: missense variant.
Genome position (GRCh38, 1-based): chrX:130,015,431, G>A. VCF-style: chrX-130015431-G-A. GRCh37 (hg19) VCF-style: chrX-129149407-G-A.
Other names: c.2659G>A, p.Gly887Arg (NM_001184772.3, NM_001379450.1, NM_001441326.1 and 7 more transcripts); short protein forms G887R.
Identifiers: ClinVar variation 4821504 (VCV004821504.4).

ClinVar aggregate classification (germline): Likely benign (1 of 4 stars; one submission).

gnomAD v4.1: 24 of 1,210,918 alleles (0.002%); highest among the groups gnomAD compares: Admixed American, 0.044%; no homozygotes.

Submission:

CeGaT Center for Human Genetics Tuebingen
Classification: Likely benign. Last evaluated: 2026-03-01. Review status: criteria provided, single submitter. Criteria: CeGaT Center For Human Genetics Tuebingen Variant Classification Criteria Version 2. Collection method: clinical testing. Allele origin: germline. Affected: yes. Observed: 1 variant allele.
Comment: BCORL1: BS2